The following is an entry in ClinVar:

ClinVar aggregate classification (germline): Pathogenic/Likely pathogenic. Review status: criteria provided, multiple submitters, no conflicts (2 of 4 stars). 2 submissions from 2 submitters: Pathogenic (1); Likely pathogenic (1). Last evaluated 2024-04-20.

Conditions:
Pyknodysostosis. Also called: Pycnodysostosis. Identifiers: Orphanet 763, MedGen C0238402, MONDO:0009940, OMIM 265800.

Allele frequency attached by ClinVar (database versions not stated): gnomAD exomes below 0.00001; gnomAD 0.00001; TOPMed 0.00002.
gnomAD v4.1: 5 of 1,610,544 alleles (0.00031%); highest among the groups gnomAD compares: African/African-American, 0.0013%; no homozygotes.

Submissions (2):

Fulgent Genetics
Classification: Likely pathogenic for Pyknodysostosis. Last evaluated: 2024-04-20. Review status: criteria provided, single submitter. Criteria: ACMG Guidelines, 2015. Collection method: clinical testing. Allele origin: germline.

Labcorp Genetics (formerly Invitae), Labcorp
Classification: Pathogenic. Last evaluated: 2022-11-08. Review status: criteria provided, single submitter. Criteria: Invitae Variant Classification Sherloc (09022015). Collection method: clinical testing. Allele origin: germline.
Comment: For these reasons, this variant has been classified as Pathogenic. This variant disrupts a region of the CTSK protein in which other variant(s) (p.Arg312*) have been determined to be pathogenic (PMID: 24767306; Invitae). This suggests that this is a clinically significant region of the protein, and that variants that disrupt it are likely to be disease-causing. ClinVar contains an entry for this variant (Variation ID: 1451614). This variant has not been reported in the literature in individuals affected with CTSK-related conditions. This variant is not present in population databases (gnomAD no frequency). This sequence change creates a premature translational stop signal (p.Trp298*) in the CTSK gene. While this is not anticipated to result in nonsense mediated decay, it is expected to disrupt the last 32 amino acid(s) of the CTSK protein.

Literature cited by the submitters: PubMed 24767306 (cited by Labcorp Genetics (formerly Invitae), Labcorp).

NM_000396.4(CTSK):c.894G>A (p.Trp298Ter)

Gene: CTSK (cathepsin K; minus strand). Cytogenetic location: 1q21.3.
Variant type: single nucleotide variant.
Coding change: c.894G>A on transcript NM_000396.4 (MANE Select); coding-DNA position 894, G replaced by A.
Protein change: p.Trp298Ter; replaces tryptophan 298 with a stop codon.
Molecular consequence: nonsense.
Genome position (GRCh38, 1-based): chr1:150,796,895, C>T on the plus strand (G>A on the coding strand, the complement: CTSK is on the minus strand). VCF-style: chr1-150796895-C-T. GRCh37 (hg19) VCF-style: chr1-150769371-C-T.
Other names: short protein forms W298*.
Identifiers: ClinVar variation 1451614 (VCV001451614.12), dbSNP rs1237746431, ClinGen allele CA342335669.